The following is an entry in ClinVar:

ClinVar aggregate classification (germline): Uncertain significance. Review status: criteria provided, multiple submitters, no conflicts (2 of 4 stars). 2 submissions from 2 submitters: Uncertain significance (2). Last evaluated 2026-02-18.

Allele frequency attached by ClinVar (database versions not stated): gnomAD exomes below 0.00001; TOPMed below 0.00001.
gnomAD v4.1: 3 of 1,594,522 alleles (0.00019%); highest among the groups gnomAD compares: Admixed American, 0.0017%; no homozygotes.

Submissions (2):

Dasa
Classification: Uncertain significance. Last evaluated: 2026-02-18. Review status: criteria provided, single submitter. Criteria: DASA Assertion Criteria. Collection method: clinical testing. Allele origin: germline.
Comment: NM_020949.3(SLC7A14):c.2316G>C (p.*772Tyrext*7) is a nonsense variant in SLC7A14 predicted to introduce a premature termination codon. This variant is rare in population databases. The currently available literature and clinical evidence are not sufficient to establish a definitive association between this variant and the reported condition. Therefore, this variant is classified as a variant of uncertain significance.

Labcorp Genetics (formerly Invitae), Labcorp
Classification: Uncertain significance. Last evaluated: 2020-08-04. Review status: criteria provided, single submitter. Criteria: Invitae Variant Classification Sherloc (09022015). Collection method: clinical testing. Allele origin: germline.
Comment: In summary, the available evidence is currently insufficient to determine the role of this variant in disease. Therefore, it has been classified as a Variant of Uncertain Significance. Experimental studies and prediction algorithms are not available or were not evaluated, and the functional significance of this variant is currently unknown. This variant has not been reported in the literature in individuals with SLC7A14-related conditions. This variant is not present in population databases (ExAC no frequency). This sequence change disrupts the translational stop signal of the SLC7A14 mRNA. It is expected to extend the length of the SLC7A14 protein by 7 additional amino acid residues.

NM_020949.3(SLC7A14):c.2316G>C (p.Ter772Tyr)

Gene: SLC7A14 (solute carrier family 7 member 14; minus strand). Cytogenetic location: 3q26.2.
Variant type: single nucleotide variant.
Coding change: c.2316G>C on transcript NM_020949.3 (MANE Select); coding-DNA position 2316, G replaced by C.
Protein change: p.Ter772Tyr.
Molecular consequence: stop lost.
Genome position (GRCh38, 1-based): chr3:170,467,055, C>G on the plus strand (G>C on the coding strand, the complement: SLC7A14 is on the minus strand). VCF-style: chr3-170467055-C-G. GRCh37 (hg19) VCF-style: chr3-170184843-C-G.
Identifiers: ClinVar variation 1009338 (VCV001009338.8), dbSNP rs918352568, ClinGen allele CA87698275.